The following is an entry in ClinVar:

NM_006939.4(SOS2):c.851del (p.Leu284fs)

Gene: SOS2 (SOS Ras/Rho guanine nucleotide exchange factor 2; minus strand). Cytogenetic location: 14q21.3.
Variant type: Deletion.
Coding change: c.851del on transcript NM_006939.4 (MANE Select); coding-DNA position 851, one base deleted (T; older notation c.851delT).
Protein change: p.Leu284fs; shifts the reading frame from leucine 284.
Molecular consequence: frameshift variant.
Genome position (GRCh38, 1-based): chr14:50,182,470, A deleted on the plus strand (T on the coding strand, the reverse complement: SOS2 is on the minus strand); the first of 3 consecutive A bases (chr14:50,182,470-50,182,472); deleting any one gives the same sequence. VCF-style (leftmost placement, unchanged base first): chr14-50182469-CA-C. GRCh37 (hg19) VCF-style: chr14-50649187-CA-C.
Other names: c.851del, p.Leu284fs (NM_001411020.1); short protein forms L284fs.
Identifiers: ClinVar variation 3653471 (VCV003653471.2).
Genomic context (GRCh38, chr14:50,182,469, plus strand): 5'-CTTACTACAGCATTTAGGGCTTTAATGAGAATATAAGTAGTTTTGTAAACTTACTTCTGC[CA>C]AATCTTCAAAACAGCTGCCAGCTAAGGGATGAGGACTGCTTTCATCAGTCATTTCAACTG-3'

ClinVar aggregate classification (germline): Uncertain significance (1 of 4 stars; one submission).

Conditions:
Noonan syndrome 9 (NS9). Identifiers: Orphanet 648, MedGen C4225282, MONDO:0014691, OMIM 616559.

Submission:

Labcorp Genetics (formerly Invitae), Labcorp
Classification: Uncertain significance for Noonan syndrome 9. Last evaluated: 2024-05-21. Review status: criteria provided, single submitter. Criteria: Invitae Variant Classification Sherloc (09022015). Collection method: clinical testing. Allele origin: germline.
Comment: This sequence change creates a premature translational stop signal (p.Leu284Trpfs*29) in the SOS2 gene. It is expected to result in an absent or disrupted protein product. However, the current clinical and genetic evidence is not sufficient to establish whether loss-of-function variants in SOS2 cause disease. This variant is not present in population databases (gnomAD no frequency). This variant has not been reported in the literature in individuals affected with SOS2-related conditions. In summary, the available evidence is currently insufficient to determine the role of this variant in disease. Therefore, it has been classified as a Variant of Uncertain Significance.